The following is an entry in ClinVar:

ClinVar aggregate classification (germline): Benign/Likely benign. Review status: criteria provided, multiple submitters, no conflicts (2 of 4 stars). 6 submissions from 6 submitters: Benign (2); Likely benign (3). 1 of the submissions does not count toward it. Last evaluated 2026-09-01.

Conditions:
SBF1-related disorder. Also called: SBF1-related condition.
Charcot-Marie-Tooth disease type 4B3. Also called: Charcot-Marie-Tooth Neuropathy Type 4B3; CHARCOT-MARIE-TOOTH DISEASE, DEMYELINATING, TYPE 4B3. Identifiers: Orphanet 363981, MedGen C3695063, MONDO:0014117, OMIM 615284.

Allele frequency attached by ClinVar (database versions not stated): 1000 Genomes Project 30x 0.00016; 1000 Genomes Project 0.00020; TOPMed 0.00089; ESP Exome Variant Server 0.00109; gnomAD 0.00144 and 0.00147; gnomAD exomes 0.00171 and 0.00208; ExAC 0.00247.
gnomAD v4.1: 2,706 of 1,610,312 alleles (0.17%); highest among the groups gnomAD compares: South Asian, 0.33%; 13 homozygotes.

Submissions (6):

CeGaT Center for Human Genetics Tuebingen
Classification: Likely benign. Last evaluated: 2026-09-01. Review status: criteria provided, single submitter. Criteria: CeGaT Center For Human Genetics Tuebingen Variant Classification Criteria Version 2. Collection method: clinical testing. Allele origin: germline. Affected: yes. Observed: 4 variant alleles.
Comment: SBF1: BP4, BP7

Labcorp Genetics (formerly Invitae), Labcorp
Classification: Benign. Last evaluated: 2026-01-25. Review status: criteria provided, single submitter. Criteria: Invitae Variant Classification Sherloc (09022015). Collection method: clinical testing. Allele origin: germline.

Mayo Clinic Laboratories, Mayo Clinic
Classification: Benign. Last evaluated: 2025-05-28. Review status: criteria provided, single submitter. Criteria: ACMG Guidelines, 2015. Collection method: clinical testing. Allele origin: germline. Observed: 4 variant alleles.
Comment: BS1, BS2, BP4, BP7

GeneDx
Classification: Likely benign. Last evaluated: 2021-10-13. Review status: criteria provided, single submitter. Criteria: GeneDx Variant Classification Process June 2021. Collection method: clinical testing. Allele origin: germline. Affected: yes.

ARUP Laboratories, Molecular Genetics and Genomics, ARUP Laboratories
Classification: Likely benign for Charcot-Marie-Tooth disease type 4B3. Last evaluated: 2020-03-06. Review status: criteria provided, single submitter. Criteria: ARUP Molecular Germline Variant Investigation Process. Collection method: clinical testing. Allele origin: germline.

PreventionGenetics, part of Exact Sciences
Classification: Likely benign for SBF1-related condition. Last evaluated: 2024-05-30. Review status: no assertion criteria provided. Collection method: clinical testing. Allele origin: germline. Not counted in ClinVar's aggregate classification.
Comment: This variant is classified as likely benign based on ACMG/AMP sequence variant interpretation guidelines (Richards et al. 2015 PMID: 25741868, with internal and published modifications).

NM_002972.4(SBF1):c.3666G>A (p.Lys1222=)

Gene: SBF1 (SET binding factor 1; minus strand). Cytogenetic location: 22q13.33.
Variant type: single nucleotide variant.
Coding change: c.3666G>A on transcript NM_002972.4 (MANE Select); coding-DNA position 3666, G replaced by A.
Protein change: p.Lys1222=; no amino-acid change (lysine 1222 retained).
Molecular consequence: synonymous variant.
Genome position (GRCh38, 1-based): chr22:50,459,492, C>T on the plus strand (G>A on the coding strand, the complement: SBF1 is on the minus strand). VCF-style: chr22-50459492-C-T. GRCh37 (hg19) VCF-style: chr22-50897921-C-T.
Other names: p.Lys1222=; c.3669G>A, p.Lys1223= (NM_001365819.1).
Identifiers: ClinVar variation 741201 (VCV000741201.47), dbSNP rs373529561, ClinGen allele CA10316628.